The following is an entry in ClinVar:

NM_001291303.3(FAT4):c.7151T>C (p.Leu2384Ser)

Gene: FAT4 (FAT atypical cadherin 4; plus strand). Cytogenetic location: 4q28.1.
Variant type: single nucleotide variant.
Coding change: c.7151T>C on transcript NM_001291303.3 (MANE Select); coding-DNA position 7151, T replaced by C.
Protein change: p.Leu2384Ser; replaces leucine 2384 with serine.
Molecular consequence: missense variant.
Genome position (GRCh38, 1-based): chr4:125,434,377, T>C. VCF-style: chr4-125434377-T-C. GRCh37 (hg19) VCF-style: chr4-126355532-T-C.
Other names: c.7151T>C, p.Leu2384Ser (NM_001291285.3, NM_024582.6); c.7151T>C (NM_024582.4, NM_024582.5); short protein forms L2384S.
Identifiers: ClinVar variation 2196773 (VCV002196773.3), dbSNP rs368024062, ClinGen allele CA3073103.

ClinVar aggregate classification (germline): Uncertain significance. Review status: criteria provided, multiple submitters, no conflicts (2 of 4 stars). 3 submissions from 3 submitters: Uncertain significance (3). Last evaluated 2024-04-26.

Conditions:
Inborn genetic diseases. Identifiers: MedGen C0950123, MeSH D030342.
Van Maldergem syndrome 2 (VMLDS2). Identifiers: Orphanet 314679, MedGen C3809875, MONDO:0014242, OMIM 615546.
Hennekam lymphangiectasia-lymphedema syndrome 2 (HKLLS2). Identifiers: Orphanet 2136, MedGen C4014939, MONDO:0014454, OMIM 616006.

Allele frequency attached by ClinVar (database versions not stated): ExAC 0.00002; TOPMed 0.00005; gnomAD 0.00006; gnomAD exomes 0.00007; ESP Exome Variant Server 0.00008.
gnomAD v4.1: 115 of 1,613,956 alleles (0.0071%); highest among the groups gnomAD compares: Non-Finnish European, 0.0092%; no homozygotes.

Submissions (3):

Fulgent Genetics
Classification: Uncertain significance for Van Maldergem syndrome 2; Hennekam lymphangiectasia-lymphedema syndrome 2. Last evaluated: 2024-04-26. Review status: criteria provided, single submitter. Criteria: ACMG Guidelines, 2015. Collection method: clinical testing. Allele origin: germline.

Ambry Genetics
Classification: Uncertain significance for Inborn genetic diseases. Last evaluated: 2022-10-12. Review status: criteria provided, single submitter. Criteria: Ambry Variant Classification Scheme 2023. Collection method: clinical testing. Allele origin: germline.

Labcorp Genetics (formerly Invitae), Labcorp
Classification: Uncertain significance. Last evaluated: 2022-03-11. Review status: criteria provided, single submitter. Criteria: Invitae Variant Classification Sherloc (09022015). Collection method: clinical testing. Allele origin: germline.
Comment: This sequence change replaces leucine, which is neutral and non-polar, with serine, which is neutral and polar, at codon 2384 of the FAT4 protein (p.Leu2384Ser). This variant is present in population databases (rs368024062, gnomAD 0.01%). This variant has not been reported in the literature in individuals affected with FAT4-related conditions. Advanced modeling of protein sequence and biophysical properties (such as structural, functional, and spatial information, amino acid conservation, physicochemical variation, residue mobility, and thermodynamic stability) performed at Invitae indicates that this missense variant is not expected to disrupt FAT4 protein function. In summary, the available evidence is currently insufficient to determine the role of this variant in disease. Therefore, it has been classified as a Variant of Uncertain Significance.